The following is an entry in ClinVar:

NM_004431.5(EPHA2):c.2029C>T (p.Arg677Cys)

Gene: EPHA2 (EPH receptor A2; minus strand). Cytogenetic location: 1p36.13.
Variant type: single nucleotide variant.
Coding change: c.2029C>T on transcript NM_004431.5 (MANE Select); coding-DNA position 2029, C replaced by T.
Protein change: p.Arg677Cys; replaces arginine 677 with cysteine.
Molecular consequence: missense variant.
Genome position (GRCh38, 1-based): chr1:16,133,204, G>A on the plus strand (C>T on the coding strand, the complement: EPHA2 is on the minus strand). VCF-style: chr1-16133204-G-A. GRCh37 (hg19) VCF-style: chr1-16459699-G-A.
Other names: c.1867C>T, p.Arg623Cys (NM_001329090.2); c.2029C>T (NM_004431.4); short protein forms R677C, R623C.
Identifiers: ClinVar variation 658421 (VCV000658421.10), dbSNP rs765261745, ClinGen allele CA624977.

ClinVar aggregate classification (germline): Conflicting classifications of pathogenicity. Review status: criteria provided, conflicting classifications (1 of 4 stars). 3 submissions from 3 submitters: Uncertain significance (2); Likely benign (1). Last evaluated 2025-09-11.

Conditions:
Inborn genetic diseases. Identifiers: MedGen C0950123, MeSH D030342.
EPHA2-related disorder. Also called: EPHA2-related condition.
Cataract 6 multiple types. Also called: CATARACT 6, POSTERIOR POLAR; CATARACT 6, CONGENITAL TOTAL; CATARACT, AGE-RELATED CORTICAL, 2. Identifiers: Orphanet 91492, MedGen C1861825, MONDO:0007288, OMIM 116600.

Allele frequency attached by ClinVar (database versions not stated): gnomAD 0.00001; gnomAD exomes 0.00002 and 0.00009; TOPMed 0.00002; ExAC 0.00007.
gnomAD v4.1: 31 of 1,613,550 alleles (0.0019%); highest among the groups gnomAD compares: East Asian, 0.033%; no homozygotes.

Submissions (3):

Ambry Genetics
Classification: Uncertain significance for Inborn genetic diseases. Last evaluated: 2025-09-11. Review status: criteria provided, single submitter. Criteria: Ambry Variant Classification Scheme 2023. Collection method: clinical testing. Allele origin: germline.

PreventionGenetics, part of Exact Sciences
Classification: Likely benign for EPHA2-related condition. Last evaluated: 2025-06-26. Review status: criteria provided, single submitter. Criteria: ACMG Guidelines, 2015. Collection method: clinical testing. Allele origin: germline.
Comment: This variant is classified as likely benign based on ACMG/AMP sequence variant interpretation guidelines (Richards et al. 2015 PMID: 25741868, with internal and published modifications).

Labcorp Genetics (formerly Invitae), Labcorp
Classification: Uncertain significance for Cataract 6 multiple types. Last evaluated: 2018-12-03. Review status: criteria provided, single submitter. Criteria: Invitae Variant Classification Sherloc (09022015). Collection method: clinical testing. Allele origin: germline.
Comment: This sequence change replaces arginine with cysteine at codon 677 of the EPHA2 protein (p.Arg677Cys). The arginine residue is highly conserved and there is a large physicochemical difference between arginine and cysteine. This variant is present in population databases (rs765261745, ExAC 0.06%). This variant has not been reported in the literature in individuals with EPHA2-related conditions. Algorithms developed to predict the effect of missense changes on protein structure and function are either unavailable or do not agree on the potential impact of this missense change (SIFT: "Deleterious"; PolyPhen-2: "Probably Damaging"; Align-GVGD: "Class C0"). In summary, the available evidence is currently insufficient to determine the role of this variant in disease. Therefore, it has been classified as a Variant of Uncertain Significance.